The following is an entry in ClinVar:

NM_003383.5(VLDLR):c.922G>A (p.Asp308Asn)

Gene: VLDLR (very low density lipoprotein receptor; plus strand). Cytogenetic location: 9p24.2.
Variant type: single nucleotide variant.
Coding change: c.922G>A on transcript NM_003383.5 (MANE Select); coding-DNA position 922, G replaced by A.
Protein change: p.Asp308Asn; replaces aspartic acid 308 with asparagine.
Molecular consequence: missense variant.
Genome position (GRCh38, 1-based): chr9:2,643,729, G>A. VCF-style: chr9-2643729-G-A. GRCh37 (hg19) VCF-style: chr9-2643729-G-A.
Other names: c.922G>A, p.Asp308Asn (NM_001018056.3); c.799G>A, p.Asp267Asn (NM_001322225.2, NM_001322226.2); short protein forms D267N, D308N.
Identifiers: ClinVar variation 1214431 (VCV001214431.3), dbSNP rs748931860, ClinGen allele CA4964667.

ClinVar aggregate classification (germline): Uncertain significance (1 of 4 stars; one submission).

Allele frequency attached by ClinVar (database versions not stated): TOPMed 0.00001; gnomAD 0.00001; ExAC 0.00002.
gnomAD v4.1: 9 of 1,614,062 alleles (0.00056%); highest among the groups gnomAD compares: Middle Eastern, 0.016%; no homozygotes.

Submission:

GeneDx
Classification: Uncertain significance. Last evaluated: 2019-08-20. Review status: criteria provided, single submitter. Criteria: GeneDx Variant Classification Process June 2021. Collection method: clinical testing. Allele origin: germline. Affected: yes.
Comment: Not observed at a significant frequency in large population cohorts (Lek et al., 2016); In silico analysis, which includes protein predictors and evolutionary conservation, supports a deleterious effect; Has not been previously published as pathogenic or benign to our knowledge